The following is an entry in ClinVar:

NM_007294.4(BRCA1):c.367T>G (p.Ser123Ala)

Gene: BRCA1 (BRCA1 DNA repair associated; minus strand). Cytogenetic location: 17q21.31.
Variant type: single nucleotide variant.
Coding change: c.367T>G on transcript NM_007294.4 (MANE Select); coding-DNA position 367, T replaced by G.
Protein change: p.Ser123Ala; replaces serine 123 with alanine.
Molecular consequence: missense variant. On other transcripts: 5 prime UTR variant (7), intron variant (2).
Genome position (GRCh38, 1-based): chr17:43,104,196, A>C on the plus strand (T>G on the coding strand, the complement: BRCA1 is on the minus strand). VCF-style: chr17-43104196-A-C. GRCh37 (hg19) VCF-style: chr17-41256213-A-C.
Other names: c.367T>G, p.Ser123Ala (NM_001407645.1, NM_001407919.1, NM_001407648.1 and 164 more transcripts); c.358T>G, p.Ser120Ala (NM_001407647.1, NM_001407646.1, NM_001408408.1); c.157T>G, p.Ser53Ala (NM_001407896.1, NM_001407894.1, NM_001407895.1 and 58 more transcripts); c.289T>G, p.Ser97Ala (NM_001407874.1, NM_001407875.1, NM_001407653.1 and 21 more transcripts); c.226T>G, p.Ser76Ala (NM_001407920.1, NM_001407921.1, NM_001407922.1 and 99 more transcripts); c.-15T>G (NM_001407959.1, NM_001407960.1, NM_001407962.1 and 4 more transcripts); c.235T>G, p.Ser79Ala (NM_001408451.1); c.-218-9336T>G (NM_001407967.1, NM_001407966.1); short protein forms S120A, S123A, S53A, S76A, S79A, S97A.
Identifiers: ClinVar variation 4800871 (VCV004800871.1).

ClinVar aggregate classification (germline): Uncertain significance (1 of 4 stars; one submission).

Conditions:
Hereditary breast ovarian cancer syndrome. Also called: Hereditary breast and ovarian cancer syndrome (HBOC); Hereditary breast and ovarian cancer; Breast and ovarian cancer; Hereditary breast and/or ovarian cancer syndrome; BRCA1- and BRCA2-Associated Hereditary Breast and Ovarian Cancer; Hereditary breast and ovarian cancer syndrome. Identifiers: Orphanet 145, MedGen C0677776, MeSH D061325, MONDO:0003582. Disease mechanism: loss of function.

Submission:

Labcorp Genetics (formerly Invitae), Labcorp
Classification: Uncertain significance for Hereditary breast ovarian cancer syndrome. Last evaluated: 2025-11-18. Review status: criteria provided, single submitter. Criteria: Invitae Variant Classification Sherloc (09022015). Collection method: clinical testing. Allele origin: germline.
Comment: This sequence change replaces serine, which is neutral and polar, with alanine, which is neutral and non-polar, at codon 123 of the BRCA1 protein (p.Ser123Ala). This variant is not present in population databases (gnomAD no frequency). This variant has not been reported in the literature in individuals affected with BRCA1-related conditions. An algorithm developed to predict the effect of missense changes on protein structure and function outputs the following: PolyPhen-2: "Possibly Damaging". The alanine amino acid residue is found in multiple mammalian species, which suggests that this missense change does not adversely affect protein function. In summary, the available evidence is currently insufficient to determine the role of this variant in disease. Therefore, it has been classified as a Variant of Uncertain Significance.